The following is an entry in ClinVar:

ClinVar aggregate classification (germline): Uncertain significance. Review status: criteria provided, multiple submitters, no conflicts (2 of 4 stars). 5 submissions from 5 submitters: Uncertain significance (4). 1 of the submissions does not count toward it. Last evaluated 2025-05-19.

Conditions:
Classic or attenuated familial adenomatous polyposis. Identifiers: MedGen CN372698, MONDO:0021057.
APC-related disorder. Also called: APC-related condition.
Hereditary cancer-predisposing syndrome. Also called: Tumor predisposition; Hereditary Cancer Syndrome; Hereditary neoplastic syndrome; Neoplastic Syndromes, Hereditary. Identifiers: Orphanet 140162, MedGen C0027672, MeSH D009386, MONDO:0015356.
Familial adenomatous polyposis 1 (FAP1). Also called: FAMILIAL ADENOMATOUS POLYPOSIS 1, ATTENUATED; POLYPOSIS, ADENOMATOUS INTESTINAL. Identifiers: MedGen C2713442, MONDO:0021056, OMIM 175100. Disease mechanism: loss of function.

gnomAD v4.1: 1 of 1,613,858 alleles (0.000062%); highest among the groups gnomAD compares: Non-Finnish European, 0.000085%; no homozygotes.

Submissions (5):

Labcorp Genetics (formerly Invitae), Labcorp
Classification: Uncertain significance for Familial adenomatous polyposis 1. Last evaluated: 2025-05-19. Review status: criteria provided, single submitter. Criteria: Invitae Variant Classification Sherloc (09022015). Collection method: clinical testing. Allele origin: germline.
Comment: This sequence change replaces glycine, which is neutral and non-polar, with valine, which is neutral and non-polar, at codon 2637 of the APC protein (p.Gly2637Val). This variant is not present in population databases (gnomAD no frequency). This variant has not been reported in the literature in individuals affected with APC-related conditions. ClinVar contains an entry for this variant (Variation ID: 1478231). Invitae Evidence Modeling of protein sequence and biophysical properties (such as structural, functional, and spatial information, amino acid conservation, physicochemical variation, residue mobility, and thermodynamic stability) indicates that this missense variant is not expected to disrupt APC protein function with a negative predictive value of 95%. In summary, the available evidence is currently insufficient to determine the role of this variant in disease. Therefore, it has been classified as a Variant of Uncertain Significance.

Women's Health and Genetics/Laboratory Corporation of America, LabCorp
Classification: Uncertain significance. Last evaluated: 2024-05-24. Review status: criteria provided, single submitter. Criteria: LabCorp Variant Classification Summary - May 2015. Collection method: clinical testing. Allele origin: germline.

All of Us Research Program, National Institutes of Health
Classification: Uncertain significance for Classic or attenuated familial adenomatous polyposis. Last evaluated: 2024-02-22. Review status: criteria provided, single submitter. Criteria: ACMG Guidelines, 2015. Collection method: clinical testing. Allele origin: germline. Inheritance: Autosomal dominant inheritance. Observed: 1 variant allele, 1 heterozygote.
Comment: This missense variant replaces glycine with valine at codon 2637 of the APC protein. Computational prediction suggests that this variant may not impact protein structure and function (internally defined REVEL score threshold <= 0.5, PMID: 27666373). To our knowledge, functional studies have not been reported for this variant. This variant has not been reported in individuals affected with APC-related disorders in the literature. This variant has not been identified in the general population by the Genome Aggregation Database (gnomAD). The available evidence is insufficient to determine the role of this variant in disease conclusively. Therefore, this variant is classified as a Variant of Uncertain Significance.

This study involves interpretation of variants in research participants for the purpose of population health screening. Participant phenotype was not available at the time of variant classification. Additional details can be found in publication PMID: 35346344, PMCID: PMC8962531

Ambry Genetics
Classification: Uncertain significance for Hereditary cancer-predisposing syndrome. Last evaluated: 2023-07-26. Review status: criteria provided, single submitter. Criteria: Ambry Variant Classification Scheme 2023. Collection method: clinical testing. Allele origin: germline.
Comment: The p.G2637V variant (also known as c.7910G>T), located in coding exon 15 of the APC gene, results from a G to T substitution at nucleotide position 7910. The glycine at codon 2637 is replaced by valine, an amino acid with dissimilar properties. This amino acid position is conserved. In addition, in silico predictors for this gene do not accurately predict pathogenicity. Since supporting evidence is limited at this time, the clinical significance of this alteration remains unclear.

PreventionGenetics, part of Exact Sciences
Classification: Uncertain significance for APC-related condition. Last evaluated: 2023-10-30. Review status: no assertion criteria provided. Collection method: clinical testing. Allele origin: germline. Not counted in ClinVar's aggregate classification.
Comment: The APC c.7910G>T variant is predicted to result in the amino acid substitution p.Gly2637Val. To our knowledge, this variant has not been reported in the literature or in a large population database, indicating this variant is rare. In ClinVar, this variant is interpreted as uncertain. At this time, the clinical significance of this variant is uncertain due to the absence of conclusive functional and genetic evidence.

NM_000038.6(APC):c.7910G>T (p.Gly2637Val)

Gene: APC (APC regulator of Wnt signaling pathway; plus strand). Cytogenetic location: 5q22.2.
Variant type: single nucleotide variant.
Coding change: c.7910G>T on transcript NM_000038.6 (MANE Select); coding-DNA position 7910, G replaced by T.
Protein change: p.Gly2637Val; replaces glycine 2637 with valine.
Molecular consequence: missense variant.
Genome position (GRCh38, 1-based): chr5:112,843,504, G>T. VCF-style: chr5-112843504-G-T. GRCh37 (hg19) VCF-style: chr5-112179201-G-T.
Other names: c.7910G>T, p.Gly2637Val (NM_001127510.3, NM_001354895.2); c.7856G>T, p.Gly2619Val (NM_001127511.3); c.7964G>T, p.Gly2655Val (NM_001354896.2); c.7940G>T, p.Gly2647Val (NM_001354897.2); c.7835G>T, p.Gly2612Val (NM_001354898.2); c.7826G>T, p.Gly2609Val (NM_001354899.2); c.7787G>T, p.Gly2596Val (NM_001354900.2); c.7733G>T, p.Gly2578Val (NM_001354901.2); and 6 more; short protein forms G2546V, G2578V, G2596V, G2536V, G2612V, G2637V, G2647V, G2477V.
Identifiers: ClinVar variation 1478231 (VCV001478231.11), dbSNP rs752753706, ClinGen allele CA16038512.